The following is an entry in ClinVar:

NM_001114753.3(ENG):c.1055C>T (p.Pro352Leu)

Gene: ENG (endoglin; minus strand). Cytogenetic location: 9q34.11.
Variant type: single nucleotide variant.
Coding change: c.1055C>T on transcript NM_001114753.3 (MANE Select); coding-DNA position 1055, C replaced by T.
Protein change: p.Pro352Leu; replaces proline 352 with leucine.
Molecular consequence: missense variant.
Genome position (GRCh38, 1-based): chr9:127,824,383, G>A on the plus strand (C>T on the coding strand, the complement: ENG is on the minus strand). VCF-style: chr9-127824383-G-A. GRCh37 (hg19) VCF-style: chr9-130586662-G-A.
Other names: c.1055C>T (NM_000118.2); c.1055C>T, p.Pro352Leu (NM_000118.4, NM_001406715.1); c.509C>T, p.Pro170Leu (NM_001278138.2); short protein forms P170L, P352L.
Identifiers: ClinVar variation 659553 (VCV000659553.11), dbSNP rs1356571461, ClinGen allele CA374981530.

ClinVar aggregate classification (germline): Conflicting classifications of pathogenicity. Review status: criteria provided, conflicting classifications (1 of 4 stars). 2 submissions from 2 submitters: Uncertain significance (1); Likely benign (1). Last evaluated 2025-05-15.

Conditions:
Hereditary hemorrhagic telangiectasia (HHT). Also called: ORW DISEASE; Osler Weber Rendu syndrome; OSLER-RENDU-WEBER DISEASE; Osler hemorrhagic telangiectasia syndrome. Identifiers: Orphanet 774, MedGen C0039445, MONDO:0019180. Disease mechanism: loss of function.

Allele frequency attached by ClinVar (database versions not stated): TOPMed below 0.00001; gnomAD 0.00001; gnomAD exomes 0.00001.
gnomAD v4.1: 13 of 1,613,988 alleles (0.00081%); highest among the groups gnomAD compares: South Asian, 0.0044%; no homozygotes.

Submissions (2):

GeneDx
Classification: Uncertain significance. Last evaluated: 2025-05-15. Review status: criteria provided, single submitter. Criteria: GeneDx Variant Classification Process June 2021. Collection method: clinical testing. Allele origin: germline. Affected: yes.
Comment: Not observed at significant frequency in large population cohorts (gnomAD); In silico analysis supports that this missense variant has a deleterious effect on protein structure/function; Has not been previously published as pathogenic or benign to our knowledge

Labcorp Genetics (formerly Invitae), Labcorp
Classification: Likely benign for Hereditary hemorrhagic telangiectasia. Last evaluated: 2023-08-27. Review status: criteria provided, single submitter. Criteria: Invitae Variant Classification Sherloc (09022015). Collection method: clinical testing. Allele origin: germline.